The following is an entry in ClinVar:

ClinVar aggregate classification (germline): Uncertain significance (1 of 4 stars; one submission).

Submission:

Labcorp Genetics (formerly Invitae), Labcorp
Classification: Uncertain significance. Last evaluated: 2021-08-08. Review status: criteria provided, single submitter. Criteria: Invitae Variant Classification Sherloc (09022015). Collection method: clinical testing. Allele origin: germline.
Comment: This sequence change replaces proline with alanine at codon 1190 of the ZNF292 protein (p.Pro1190Ala). The proline residue is weakly conserved and there is a small physicochemical difference between proline and alanine. This variant is not present in population databases (ExAC no frequency). This variant has not been reported in the literature in individuals affected with ZNF292-related conditions. Algorithms developed to predict the effect of missense changes on protein structure and function (SIFT, PolyPhen-2, Align-GVGD) all suggest that this variant is likely to be tolerated. In summary, the available evidence is currently insufficient to determine the role of this variant in disease. Therefore, it has been classified as a Variant of Uncertain Significance.

NM_015021.3(ZNF292):c.3568C>G (p.Pro1190Ala)

Gene: ZNF292 (zinc finger protein 292; plus strand). Cytogenetic location: 6q14.3.
Variant type: single nucleotide variant.
Coding change: c.3568C>G on transcript NM_015021.3 (MANE Select); coding-DNA position 3568, C replaced by G.
Protein change: p.Pro1190Ala; replaces proline 1190 with alanine.
Molecular consequence: missense variant.
Genome position (GRCh38, 1-based): chr6:87,257,197, C>G. VCF-style: chr6-87257197-C-G. GRCh37 (hg19) VCF-style: chr6-87966915-C-G.
Other names: c.3148C>G, p.Pro1050Ala (NM_001351444.2); short protein forms P1190A, P1050A.
Identifiers: ClinVar variation 1481580 (VCV001481580.6), dbSNP rs1775274397, ClinGen allele CA364922893.